The following is an entry in ClinVar:

NM_182493.3(MYLK3):c.521T>G (p.Val174Gly)

Gene: MYLK3 (myosin light chain kinase 3; minus strand). Cytogenetic location: 16q11.2.
Variant type: single nucleotide variant.
Coding change: c.521T>G on transcript NM_182493.3 (MANE Select); coding-DNA position 521, T replaced by G.
Protein change: p.Val174Gly; replaces valine 174 with glycine.
Molecular consequence: missense variant. On other transcripts: 5 prime UTR variant (1).
Genome position (GRCh38, 1-based): chr16:46,740,104, A>C on the plus strand (T>G on the coding strand, the complement: MYLK3 is on the minus strand). VCF-style: chr16-46740104-A-C. GRCh37 (hg19) VCF-style: chr16-46774016-A-C.
Other names: c.-70T>G (NM_001308301.1); c.521T>G (NM_182493.2); short protein forms V174G.
Identifiers: ClinVar variation 2966298 (VCV002966298.4), dbSNP rs774275312, ClinGen allele CA8038220.

ClinVar aggregate classification (germline): Uncertain significance. Review status: criteria provided, multiple submitters, no conflicts (2 of 4 stars). 2 submissions from 2 submitters: Uncertain significance (2). Last evaluated 2025-05-16.

Allele frequency attached by ClinVar (database versions not stated): ExAC 0.00001; gnomAD 0.00001; gnomAD exomes 0.00001; TOPMed 0.00001.
gnomAD v4.1: 17 of 1,613,724 alleles (0.0011%); highest among the groups gnomAD compares: Non-Finnish European, 0.0014%; no homozygotes.

Submissions (2):

Ambry Genetics
Classification: Uncertain significance. Last evaluated: 2025-05-16. Review status: criteria provided, single submitter. Criteria: Ambry Variant Classification Scheme 2023. Collection method: clinical testing. Allele origin: germline.

Labcorp Genetics (formerly Invitae), Labcorp
Classification: Uncertain significance. Last evaluated: 2024-11-16. Review status: criteria provided, single submitter. Criteria: Invitae Variant Classification Sherloc (09022015). Collection method: clinical testing. Allele origin: germline.
Comment: This sequence change replaces valine, which is neutral and non-polar, with glycine, which is neutral and non-polar, at codon 174 of the MYLK3 protein (p.Val174Gly). This variant is present in population databases (rs774275312, gnomAD 0.002%). This variant has not been reported in the literature in individuals affected with MYLK3-related conditions. ClinVar contains an entry for this variant (Variation ID: 2966298). An algorithm developed to predict the effect of missense changes on protein structure and function outputs the following: PolyPhen-2: "Benign". The glycine amino acid residue is found in multiple mammalian species, which suggests that this missense change does not adversely affect protein function. In summary, the available evidence is currently insufficient to determine the role of this variant in disease. Therefore, it has been classified as a Variant of Uncertain Significance.